The following is an entry in ClinVar:

NM_016011.5(MECR):c.583G>A (p.Gly195Arg)

Gene: MECR (mitochondrial trans-2-enoyl-CoA reductase; minus strand). Cytogenetic location: 1p35.3.
Variant type: single nucleotide variant.
Coding change: c.583G>A on transcript NM_016011.5 (MANE Select); coding-DNA position 583, G replaced by A.
Protein change: p.Gly195Arg; replaces glycine 195 with arginine.
Molecular consequence: missense variant. On other transcripts: non-coding transcript variant (3).
Genome position (GRCh38, 1-based): chr1:29,203,201, C>T on the plus strand (G>A on the coding strand, the complement: MECR is on the minus strand). VCF-style: chr1-29203201-C-T. GRCh37 (hg19) VCF-style: chr1-29529713-C-T.
Other names: p.Gly195Arg; c.583G>A (NM_016011.2); c.355G>A, p.Gly119Arg (NM_001024732.4, NM_001349711.2, NM_001349712.2 and 2 more transcripts); c.688G>A, p.Gly230Arg (NM_001349715.2); c.667G>A, p.Gly223Arg (NM_001349716.2); c.433G>A, p.Gly145Arg (NM_001349717.2); short protein forms G195R, G223R, G230R, G119R, G145R.
Identifiers: ClinVar variation 2067908 (VCV002067908.4), dbSNP rs200619935, ClinGen allele CA725753.

ClinVar aggregate classification (germline): Uncertain significance. Review status: criteria provided, multiple submitters, no conflicts (2 of 4 stars). 4 submissions from 4 submitters: Uncertain significance (4). Last evaluated 2024-08-27.

Conditions:
Dystonia, childhood-onset, with optic atrophy and basal ganglia abnormalities (DYTOABG). Also called: MECR-Related Neurologic Disorder; DYSTONIA 29, CHILDHOOD-ONSET. Identifiers: Orphanet 508093, MedGen C4310634, MONDO:0015003, OMIM 617282.

Allele frequency attached by ClinVar (database versions not stated): TOPMed 0.00011; gnomAD exomes 0.00014; gnomAD 0.00015; ESP Exome Variant Server 0.00023; ExAC 0.00031.
gnomAD v4.1: 225 of 1,583,400 alleles (0.014%); highest among the groups gnomAD compares: Admixed American, 0.021%; no homozygotes.

Submissions (4):

GeneDx
Classification: Uncertain significance. Last evaluated: 2024-08-27. Review status: criteria provided, single submitter. Criteria: GeneDx Variant Classification Process June 2021. Collection method: clinical testing. Allele origin: germline. Affected: yes.
Comment: In silico analysis supports that this missense variant has a deleterious effect on protein structure/function; Has not been previously published as pathogenic or benign to our knowledge

Baylor Genetics
Classification: Uncertain significance for Dystonia, childhood-onset, with optic atrophy and basal ganglia abnormalities. Last evaluated: 2023-12-14. Review status: criteria provided, single submitter. Criteria: ACMG Guidelines, 2015. Collection method: clinical testing. Allele origin: unknown.

Mayo Clinic Laboratories, Mayo Clinic
Classification: Uncertain significance. Last evaluated: 2023-05-09. Review status: criteria provided, single submitter. Criteria: ACMG Guidelines, 2015. Collection method: clinical testing. Allele origin: germline. Observed: 1 variant allele.

Labcorp Genetics (formerly Invitae), Labcorp
Classification: Uncertain significance. Last evaluated: 2022-09-27. Review status: criteria provided, single submitter. Criteria: Invitae Variant Classification Sherloc (09022015). Collection method: clinical testing. Allele origin: germline.
Comment: This sequence change replaces glycine, which is neutral and non-polar, with arginine, which is basic and polar, at codon 195 of the MECR protein (p.Gly195Arg). This variant is present in population databases (rs200619935, gnomAD 0.03%). This variant has not been reported in the literature in individuals affected with MECR-related conditions. Advanced modeling of protein sequence and biophysical properties (such as structural, functional, and spatial information, amino acid conservation, physicochemical variation, residue mobility, and thermodynamic stability) performed at Invitae indicates that this missense variant is expected to disrupt MECR protein function. In summary, the available evidence is currently insufficient to determine the role of this variant in disease. Therefore, it has been classified as a Variant of Uncertain Significance.